The following is an entry in ClinVar:

ClinVar aggregate classification (germline): Uncertain significance (1 of 4 stars; one submission).

Submission:

Mayo Clinic Laboratories, Mayo Clinic
Classification: Uncertain significance. Last evaluated: 2025-12-09. Review status: criteria provided, single submitter. Criteria: ACMG Guidelines, 2015. Collection method: clinical testing. Allele origin: germline. Observed: 1 variant allele.
Comment: PM2_supporting

NM_000237.3(LPL):c.52C>G (p.Leu18Val)

Gene: LPL (lipoprotein lipase; plus strand). Cytogenetic location: 8p21.3.
Variant type: single nucleotide variant.
Coding change: c.52C>G on transcript NM_000237.3 (MANE Select); coding-DNA position 52, C replaced by G.
Protein change: p.Leu18Val; replaces leucine 18 with valine.
Molecular consequence: missense variant.
Genome position (GRCh38, 1-based): chr8:19,939,492, C>G. VCF-style: chr8-19939492-C-G. GRCh37 (hg19) VCF-style: chr8-19797003-C-G.
Other names: p.Leu18Val; short protein forms L18V.
Identifiers: ClinVar variation 4541344 (VCV004541344.1).